The following is an entry in ClinVar:

ClinVar aggregate classification (germline): Uncertain significance. Review status: criteria provided, multiple submitters, no conflicts (2 of 4 stars). 2 submissions from 2 submitters: Uncertain significance (2). Last evaluated 2025-09-27.

Conditions:
Inborn genetic diseases. Identifiers: MedGen C0950123, MeSH D030342.
Ullrich congenital muscular dystrophy 2 (UCMD2). Identifiers: Orphanet 75840, MedGen C4225314, MONDO:0014654, OMIM 616470.
Bethlem myopathy 2 (BTHLM2). Identifiers: Orphanet 536516, Orphanet 610, MedGen C4225313, MONDO:0034022, OMIM 616471.

gnomAD v4.1: 1 of 1,613,084 alleles (0.000062%); highest among the groups gnomAD compares: African/African-American, 0.0013%; no homozygotes.

Submissions (2):

Ambry Genetics
Classification: Uncertain significance for Inborn genetic diseases. Last evaluated: 2025-09-27. Review status: criteria provided, single submitter. Criteria: Ambry Variant Classification Scheme 2023. Collection method: clinical testing. Allele origin: germline.

Labcorp Genetics (formerly Invitae), Labcorp
Classification: Uncertain significance for Bethlem myopathy 2; Ullrich congenital muscular dystrophy 2. Last evaluated: 2024-08-07. Review status: criteria provided, single submitter. Criteria: Invitae Variant Classification Sherloc (09022015). Collection method: clinical testing. Allele origin: germline.
Comment: This sequence change replaces glutamic acid, which is acidic and polar, with aspartic acid, which is acidic and polar, at codon 1418 of the COL12A1 protein (p.Glu1418Asp). This variant is not present in population databases (gnomAD no frequency). This variant has not been reported in the literature in individuals affected with COL12A1-related conditions. Advanced modeling of protein sequence and biophysical properties (such as structural, functional, and spatial information, amino acid conservation, physicochemical variation, residue mobility, and thermodynamic stability) performed at Invitae indicates that this missense variant is not expected to disrupt COL12A1 protein function with a negative predictive value of 80%. In summary, the available evidence is currently insufficient to determine the role of this variant in disease. Therefore, it has been classified as a Variant of Uncertain Significance.

NM_004370.6(COL12A1):c.4254A>C (p.Glu1418Asp)

Gene: COL12A1 (collagen type XII alpha 1 chain; minus strand). Cytogenetic location: 6q13.
Variant type: single nucleotide variant.
Coding change: c.4254A>C on transcript NM_004370.6 (MANE Select); coding-DNA position 4254, A replaced by C.
Protein change: p.Glu1418Asp; replaces glutamic acid 1418 with aspartic acid.
Molecular consequence: missense variant.
Genome position (GRCh38, 1-based): chr6:75,148,391, T>G on the plus strand (A>C on the coding strand, the complement: COL12A1 is on the minus strand). VCF-style: chr6-75148391-T-G. GRCh37 (hg19) VCF-style: chr6-75858107-T-G.
Other names: c.4254A>C (NM_004370.5); c.4254A>C, p.Glu1418Asp (NM_001424113.1, NM_001424114.1); c.3981A>C, p.Glu1327Asp (NM_001424115.1); c.762A>C, p.Glu254Asp (NM_001424116.1, NM_080645.3); short protein forms E1327D, E1418D, E254D.
Identifiers: ClinVar variation 3762107 (VCV003762107.3).